The following is an entry in ClinVar:

NM_015346.4(ZFYVE26):c.2852C>T (p.Thr951Met)

Gene: ZFYVE26 (zinc finger FYVE-type containing 26; minus strand). Cytogenetic location: 14q24.1.
Variant type: single nucleotide variant.
Coding change: c.2852C>T on transcript NM_015346.4 (MANE Select); coding-DNA position 2852, C replaced by T.
Protein change: p.Thr951Met; replaces threonine 951 with methionine.
Molecular consequence: missense variant.
Genome position (GRCh38, 1-based): chr14:67,789,502, G>A on the plus strand (C>T on the coding strand, the complement: ZFYVE26 is on the minus strand). VCF-style: chr14-67789502-G-A. GRCh37 (hg19) VCF-style: chr14-68256219-G-A.
Other names: p.Thr951Met; short protein forms T951M.
Identifiers: ClinVar variation 313908 (VCV000313908.22), dbSNP rs35471427, ClinGen allele CA7240156.

ClinVar aggregate classification (germline): Benign/Likely benign. Review status: criteria provided, multiple submitters, no conflicts (2 of 4 stars). 8 submissions from 8 submitters: Benign (6); Likely benign (2). Last evaluated 2026-02-01.

Conditions:
Hereditary spastic paraplegia 15 (SPG15). Also called: SPASTIC PARAPLEGIA 15, AUTOSOMAL RECESSIVE; KJELLIN SYNDROME; SPASTIC PARAPLEGIA AND RETINAL DEGENERATION. Identifiers: Orphanet 100996, MedGen C1849128, MONDO:0010044, OMIM 270700.
Hereditary spastic paraplegia. Also called: Familial spastic paraparesis. Identifiers: Orphanet 685, MedGen C0037773, MONDO:0019064. Disease mechanism: loss of function.
Spastic paraplegia. Identifiers: MedGen C0037772, HP:0001258.

Allele frequency attached by ClinVar (database versions not stated): 1000 Genomes Project 30x 0.02826; gnomAD 0.02158 and 0.02295; TOPMed 0.02404; 1000 Genomes Project 0.02516; ESP Exome Variant Server 0.02576.
gnomAD v4.1: 6,321 of 1,614,142 alleles (0.39%); highest among the groups gnomAD compares: African/African-American, 7.3%; 223 homozygotes.

Submissions (8):

Labcorp Genetics (formerly Invitae), Labcorp
Classification: Benign for Spastic paraplegia. Last evaluated: 2026-02-01. Review status: criteria provided, single submitter. Criteria: Invitae Variant Classification Sherloc (09022015). Collection method: clinical testing. Allele origin: germline.

Genome-Nilou Lab
Classification: Benign for Hereditary spastic paraplegia 15. Last evaluated: 2021-12-05. Review status: criteria provided, single submitter. Criteria: ACMG Guidelines, 2015. Collection method: clinical testing. Allele origin: germline. Affected: no.

Genome Diagnostics Laboratory, The Hospital for Sick Children
Classification: Benign for Hereditary spastic paraplegia. Last evaluated: 2021-06-13. Review status: criteria provided, single submitter. Criteria: ACMG Guidelines, 2015. Collection method: clinical testing. Allele origin: germline. Affected: yes.

Athena Diagnostics
Classification: Benign. Last evaluated: 2018-04-02. Review status: criteria provided, single submitter. Criteria: Athena Diagnostics Criteria. Collection method: clinical testing. Allele origin: germline.

Illumina Laboratory Services, Illumina
Classification: Likely benign for Hereditary spastic paraplegia 15. Last evaluated: 2017-04-27. Review status: criteria provided, single submitter. Criteria: ICSL Variant Classification Criteria 13 December 2019. Collection method: clinical testing. Allele origin: germline.
Comment: This variant was observed as part of a predisposition screen in an ostensibly healthy population. A literature search was performed for the gene, cDNA change, and amino acid change (where applicable). No publications were found based on this search. Allele frequency data from public databases allowed determination this variant is unlikely to cause disease. Therefore, this variant is classified as likely benign.

Mayo Clinic Laboratories, Mayo Clinic
Classification: Benign. Last evaluated: 2016-11-28. Review status: criteria provided, single submitter. Criteria: ACMG Guidelines, 2015. Collection method: clinical testing. Allele origin: germline. Observed: 10 variant alleles.

GeneDx
Classification: Benign. Last evaluated: 2016-10-24. Review status: criteria provided, single submitter. Criteria: GeneDx Variant Classification (06012015). Collection method: clinical testing. Allele origin: germline. Affected: yes.
Comment: This variant is considered likely benign or benign based on one or more of the following criteria: it is a conservative change, it occurs at a poorly conserved position in the protein, it is predicted to be benign by multiple in silico algorithms, and/or has population frequency not consistent with disease.

Breakthrough Genomics
Classification: Likely benign. Review status: criteria provided, single submitter. Criteria: ACMG Guidelines, 2015. Collection method: not provided. Allele origin: germline. Inheritance: Autosomal recessive inheritance. Affected: yes.